The following is an entry in ClinVar:

NM_015073.3(SIPA1L3):c.1245C>T (p.Leu415=)

Gene: SIPA1L3 (signal induced proliferation associated 1 like 3; plus strand). Cytogenetic location: 19q13.13.
Variant type: single nucleotide variant.
Coding change: c.1245C>T on transcript NM_015073.3 (MANE Select); coding-DNA position 1245, C replaced by T.
Protein change: p.Leu415=; no amino-acid change (leucine 415 retained).
Molecular consequence: synonymous variant.
Genome position (GRCh38, 1-based): chr19:38,082,810, C>T. VCF-style: chr19-38082810-C-T. GRCh37 (hg19) VCF-style: chr19-38573450-C-T.
Identifiers: ClinVar variation 728691 (VCV000728691.12), dbSNP rs139525246, ClinGen allele CA9409328.

ClinVar aggregate classification (germline): Benign. Review status: criteria provided, single submitter (1 of 4 stars). 2 submissions from 2 submitters: Benign (1). 1 of the submissions does not count toward it. Last evaluated 2025-05-13.

Conditions:
SIPA1L3-related disorder. Also called: SIPA1L3-related condition.

Allele frequency attached by ClinVar (database versions not stated): 1000 Genomes Project 30x 0.00234; 1000 Genomes Project 0.00260; gnomAD 0.00040 and 0.00060; TOPMed 0.00091; ExAC 0.00149; gnomAD exomes 0.00154.
gnomAD v4.1: 857 of 1,613,652 alleles (0.053%); highest among the groups gnomAD compares: East Asian, 1.6%; 9 homozygotes.

Submissions (2):

Labcorp Genetics (formerly Invitae), Labcorp
Classification: Benign. Last evaluated: 2025-05-13. Review status: criteria provided, single submitter. Criteria: Invitae Variant Classification Sherloc (09022015). Collection method: clinical testing. Allele origin: germline.

PreventionGenetics, part of Exact Sciences
Classification: Benign for SIPA1L3-related condition. Last evaluated: 2019-02-25. Review status: no assertion criteria provided. Collection method: clinical testing. Allele origin: germline. Not counted in ClinVar's aggregate classification.
Comment: This variant is classified as benign based on ACMG/AMP sequence variant interpretation guidelines (Richards et al. 2015 PMID: 25741868, with internal and published modifications).